The following is an entry in ClinVar:

NM_004519.4(KCNQ3):c.1277T>C (p.Leu426Pro)

Gene: KCNQ3 (potassium voltage-gated channel subfamily Q member 3; minus strand). Cytogenetic location: 8q24.22.
Variant type: single nucleotide variant.
Coding change: c.1277T>C on transcript NM_004519.4 (MANE Select); coding-DNA position 1277, T replaced by C.
Protein change: p.Leu426Pro; replaces leucine 426 with proline.
Molecular consequence: missense variant.
Genome position (GRCh38, 1-based): chr8:132,141,317, A>G on the plus strand (T>C on the coding strand, the complement: KCNQ3 is on the minus strand). VCF-style: chr8-132141317-A-G. GRCh37 (hg19) VCF-style: chr8-133153564-A-G.
Other names: c.917T>C, p.Leu306Pro (NM_001204824.2); short protein forms L306P, L426P.
Identifiers: ClinVar variation 1431484 (VCV001431484.8), dbSNP rs2130944756, ClinGen allele CA372220461.

ClinVar aggregate classification (germline): Uncertain significance (1 of 4 stars; one submission).

Conditions:
Benign neonatal seizures. Also called: Benign familial neonatal epilepsy; Benign familial neonatal seizures; Convulsions benign familial neonatal dominant form; Autosomal dominant form of benign neonatal seizures; Benign neonatal familial convulsions. Identifiers: Orphanet 1949, MedGen C0220669, MONDO:0016027.

Submission:

Labcorp Genetics (formerly Invitae), Labcorp
Classification: Uncertain significance for Benign neonatal seizures. Last evaluated: 2022-03-23. Review status: criteria provided, single submitter. Criteria: Invitae Variant Classification Sherloc (09022015). Collection method: clinical testing. Allele origin: germline.
Comment: Advanced modeling of protein sequence and biophysical properties (such as structural, functional, and spatial information, amino acid conservation, physicochemical variation, residue mobility, and thermodynamic stability) performed at Invitae indicates that this missense variant is expected to disrupt KCNQ3 protein function. This variant has not been reported in the literature in individuals affected with KCNQ3-related conditions. This variant is not present in population databases (gnomAD no frequency). This sequence change replaces leucine, which is neutral and non-polar, with proline, which is neutral and non-polar, at codon 426 of the KCNQ3 protein (p.Leu426Pro). In summary, the available evidence is currently insufficient to determine the role of this variant in disease. Therefore, it has been classified as a Variant of Uncertain Significance.